The following is an entry in ClinVar:

NM_181712.5(KANK4):c.2647T>G (p.Leu883Val)

Gene: KANK4 (KN motif and ankyrin repeat domains 4; minus strand). Cytogenetic location: 1p31.3.
Variant type: single nucleotide variant.
Coding change: c.2647T>G on transcript NM_181712.5 (MANE Select); coding-DNA position 2647, T replaced by G.
Protein change: p.Leu883Val; replaces leucine 883 with valine.
Molecular consequence: missense variant.
Genome position (GRCh38, 1-based): chr1:62,253,102, A>C on the plus strand (T>G on the coding strand, the complement: KANK4 is on the minus strand). VCF-style: chr1-62253102-A-C. GRCh37 (hg19) VCF-style: chr1-62718774-A-C.
Other names: c.763T>G, p.Leu255Val (NM_001320269.2); short protein forms L883V, L255V.
Identifiers: ClinVar variation 3112649 (VCV003112649.2), dbSNP rs745635707, ClinGen allele CA884023.

ClinVar aggregate classification (germline): Uncertain significance. Review status: criteria provided, multiple submitters, no conflicts (2 of 4 stars). 2 submissions from 2 submitters: Uncertain significance (2). Last evaluated 2026-02-01.

Allele frequency attached by ClinVar (database versions not stated): ExAC 0.00001; TOPMed 0.00002; gnomAD 0.00005; gnomAD exomes 0.00007.
gnomAD v4.1: 103 of 1,613,968 alleles (0.0064%); highest among the groups gnomAD compares: Non-Finnish European, 0.0085%; no homozygotes.

Submissions (2):

Labcorp Genetics (formerly Invitae), Labcorp
Classification: Uncertain significance. Last evaluated: 2026-02-01. Review status: criteria provided, single submitter. Criteria: Invitae Variant Classification Sherloc (09022015). Collection method: clinical testing. Allele origin: germline.
Comment: This sequence change replaces leucine, which is neutral and non-polar, with valine, which is neutral and non-polar, at codon 883 of the KANK4 protein (p.Leu883Val). This variant is present in population databases (rs745635707, gnomAD 0.0009%). This variant has not been reported in the literature in individuals affected with KANK4-related conditions. ClinVar contains an entry for this variant (Variation ID: 3112649). An algorithm developed to predict the effect of missense changes on protein structure and function (PolyPhen-2) suggests that this variant is likely to be tolerated. In summary, the available evidence is currently insufficient to determine the role of this variant in disease. Therefore, it has been classified as a Variant of Uncertain Significance.

Ambry Genetics
Classification: Uncertain significance. Last evaluated: 2023-12-15. Review status: criteria provided, single submitter. Criteria: Ambry Variant Classification Scheme 2023. Collection method: clinical testing. Allele origin: germline.